The following is an entry in ClinVar:

ClinVar aggregate classification (germline): Uncertain significance (1 of 4 stars; one submission).

Conditions:
Acute myeloid leukemia (AML). Also called: Leukemia, acute myeloid, somatic; Leukemia, acute myelogenous, somatic; Acute myeloid leukemia, adult; AML adult; Acute non-lymphocytic leukemia; Acute granulocytic leukemia. Identifiers: Orphanet 519, MedGen C0023467, MeSH D015470, MONDO:0018874, OMIM 601626, HP:0004808. Disease mechanism: Constitutively activated FLT3.

Submission:

Labcorp Genetics (formerly Invitae), Labcorp
Classification: Uncertain significance for Acute myeloid leukemia. Last evaluated: 2022-01-15. Review status: criteria provided, single submitter. Criteria: Invitae Variant Classification Sherloc (09022015). Collection method: clinical testing. Allele origin: germline.
Comment: Algorithms developed to predict the effect of missense changes on protein structure and function (SIFT, PolyPhen-2, Align-GVGD) all suggest that this variant is likely to be tolerated. This variant has not been reported in the literature in individuals affected with CEBPA-related conditions. This variant is not present in population databases (gnomAD no frequency). In summary, the available evidence is currently insufficient to determine the role of this variant in disease. Therefore, it has been classified as a Variant of Uncertain Significance. This sequence change replaces serine, which is neutral and polar, with glycine, which is neutral and non-polar, at codon 17 of the CEBPA protein (p.Ser17Gly).

NM_004364.5(CEBPA):c.49A>G (p.Ser17Gly)

Genes: CEBPA (CCAAT enhancer binding protein alpha; minus strand), LOC130064183 (ATAC-STARR-seq lymphoblastoid silent region 10495; plus strand). Cytogenetic location: 19q13.11.
Variant type: single nucleotide variant.
Coding change: c.49A>G on transcript NM_004364.5 (MANE Select); coding-DNA position 49, A replaced by G.
Protein change: p.Ser17Gly; replaces serine 17 with glycine.
Molecular consequence: missense variant. On other transcripts: 5 prime UTR variant (1).
Genome position (GRCh38, 1-based): chr19:33,302,366, T>C on the plus strand (A>G on the coding strand, the complement: CEBPA is on the minus strand). VCF-style: chr19-33302366-T-C. GRCh37 (hg19) VCF-style: chr19-33793272-T-C.
Other names: c.-309A>G (NM_001285829.2); c.154A>G, p.Ser52Gly (NM_001287424.2); c.7A>G, p.Ser3Gly (NM_001287435.2); short protein forms S17G, S52G, S3G.
Identifiers: ClinVar variation 1473681 (VCV001473681.8), dbSNP rs2145264889, ClinGen allele CA405275785.